The following is an entry in ClinVar:

ClinVar aggregate classification (germline): Uncertain significance (1 of 4 stars; one submission).

Submissions (2):

Dasa
Classification: Uncertain significance. Last evaluated: 2026-04-20. Review status: criteria provided, single submitter. Criteria: DASA Assertion Criteria. Collection method: clinical testing. Allele origin: germline.
Comment: NM_015884.4(MBTPS2):c.679C>T (p.His227Tyr) is a missense variant that results in the substitution of histidine with tyrosine. The affected residue or protein region has prior evidence supporting clinical relevance. This variant is rare in population databases. Computational prediction algorithms are consistent with a deleterious effect. The currently available literature and clinical evidence are not sufficient to establish a definitive association between this variant and the reported condition. Therefore, this variant is classified as a variant of uncertain significance.

Dr. Peter K. Rogan Lab, Western University
No classification provided (evidence only). Condition: Thyroid cancer, nonmedullary, 1. Review status: no classification provided. Collection method: in vitro. Allele origin: not applicable. Functional consequence: retained intron. Not counted in ClinVar's aggregate classification.

NM_015884.4(MBTPS2):c.679C>T (p.His227Tyr)

Gene: MBTPS2 (membrane bound transcription factor peptidase, site 2; plus strand). Cytogenetic location: Xp22.12.
Variant type: single nucleotide variant.
Coding change: c.679C>T on transcript NM_015884.4 (MANE Select); coding-DNA position 679, C replaced by T.
Protein change: p.His227Tyr; replaces histidine 227 with tyrosine.
Molecular consequence: missense variant.
Genome position (GRCh38, 1-based): chrX:21,868,475, C>T. VCF-style: chrX-21868475-C-T. GRCh37 (hg19) VCF-style: chrX-21886593-C-T.
Other names: NC_000023.10:g.21886593C>T; short protein forms H227Y.
Identifiers: ClinVar variation 4484681 (VCV004484681.3).
Genomic context (GRCh38, chrX:21,868,475, plus strand): 5'-ATATCATTCCTGCCCCCGGTTGAGCTTATTGCTTTTTTTCCTCTCTTTCCAGGTATCTGG[C>T]ATAATTTTGTCCTTGCACTCTTGGGTATTTTAGCTCTTGTTCTCCTCCCAGTAATTCTCT-3'
Protein context (NP_056968.1, residues 217-237): QLRIFCAGIW[His227Tyr]NFVLALLGIL